The following is an entry in ClinVar:

NM_015272.5(RPGRIP1L):c.2785A>G (p.Thr929Ala)

Gene: RPGRIP1L (RPGRIP1 like; minus strand). Cytogenetic location: 16q12.2.
Variant type: single nucleotide variant.
Coding change: c.2785A>G on transcript NM_015272.5 (MANE Select); coding-DNA position 2785, A replaced by G.
Protein change: p.Thr929Ala; replaces threonine 929 with alanine.
Molecular consequence: missense variant.
Genome position (GRCh38, 1-based): chr16:53,641,374, T>C on the plus strand (A>G on the coding strand, the complement: RPGRIP1L is on the minus strand). VCF-style: chr16-53641374-T-C. GRCh37 (hg19) VCF-style: chr16-53675286-T-C.
Other names: c.2785A>G, p.Thr929Ala (NM_001127897.4, NM_001308334.3, NM_001330538.2); short protein forms T929A.
Identifiers: ClinVar variation 3353306 (VCV003353306.1).

ClinVar aggregate classification (germline): Uncertain significance (0 of 4 stars; one submission).

Conditions:
RPGRIP1L-related disorder. Also called: RPGRIP1L-related condition; RPGRIP1L-related disorders. Identifiers: MedGen CN239416.

Submission:

PreventionGenetics, part of Exact Sciences
Classification: Uncertain significance for RPGRIP1L-related condition. Last evaluated: 2024-04-18. Review status: no assertion criteria provided. Collection method: clinical testing. Allele origin: germline.
Comment: The RPGRIP1L c.2785A>G variant is predicted to result in the amino acid substitution p.Thr929Ala. To our knowledge, this variant has not been reported in the literature or in a large population database, indicating this variant is rare. At this time, the clinical significance of this variant is uncertain due to the absence of conclusive functional and genetic evidence.